The following is an entry in ClinVar:

NM_015450.3(POT1):c.1793-5T>G

Gene: POT1 (protection of telomeres 1; minus strand). Cytogenetic location: 7q31.33.
Variant type: single nucleotide variant.
Coding change: c.1793-5T>G on transcript NM_015450.3 (MANE Select); 5 bases into the intron before coding-DNA position 1793, T replaced by G.
Molecular consequence: intron variant.
Genome position (GRCh38, 1-based): chr7:124,824,079, A>C on the plus strand (T>G on the coding strand, the complement: POT1 is on the minus strand). VCF-style: chr7-124824079-A-C. GRCh37 (hg19) VCF-style: chr7-124464133-A-C.
Other names: c.1400-5T>G (NM_001042594.2).
Identifiers: ClinVar variation 5027198 (VCV005027198.1).
Genomic context (GRCh38, chr7:124,824,079, plus strand): 5'-TGTTCCATTTGTGACATTGTATGACTTGATGAAGCATTCCAACCACGGATATGCATCTAC[A>C]AAAACAAAAACAAAAAAAGCGATTTAACCATTAAAACAAAATAAATAACTCTGAAATAGG-3'

ClinVar aggregate classification (germline): Uncertain significance (1 of 4 stars; one submission).

Conditions:
Hereditary cancer-predisposing syndrome. Also called: Neoplastic Syndromes, Hereditary; Tumor predisposition; Hereditary neoplastic syndrome; Hereditary Cancer Syndrome. Identifiers: Orphanet 140162, MedGen C0027672, MeSH D009386, MONDO:0015356.

Submission:

Ambry Genetics
Classification: Uncertain significance for Hereditary cancer-predisposing syndrome. Last evaluated: 2026-09-01. Review status: criteria provided, single submitter. Criteria: Ambry Variant Classification Scheme 2023. Collection method: clinical testing. Allele origin: germline.
Comment: The c.1793-5T>G intronic variant results from a T to G substitution 5 nucleotides upstream from coding exon 15 in the POT1 gene. This nucleotide position is well conserved in available vertebrate species. In silico splice site analysis predicts that this alteration will not have any significant effect on splicing. Based on the available evidence, the clinical significance of this variant remains unclear.